The following is an entry in ClinVar:

NM_002047.4(GARS1):c.110del (p.Ser37fs)

Gene: GARS1 (glycyl-tRNA synthetase 1; plus strand). Cytogenetic location: 7p14.3.
Variant type: Deletion.
Coding change: c.110del on transcript NM_002047.4 (MANE Select); coding-DNA position 110, one base deleted (G; older notation c.110delG).
Protein change: p.Ser37fs; shifts the reading frame from serine 37.
Molecular consequence: frameshift variant. On other transcripts: 5 prime UTR variant (1).
Genome position (GRCh38, 1-based): chr7:30,595,031, G deleted. VCF-style (leftmost placement, unchanged base first): chr7-30595030-AG-A. GRCh37 (hg19) VCF-style: chr7-30634646-AG-A.
Other names: c.-53del (NM_001316772.1); short protein forms S37fs.
Identifiers: ClinVar variation 1680877 (VCV001680877.6), dbSNP rs1284420601, ClinGen allele CA837514927.
Genomic context (GRCh38, chr7:30,595,030, plus strand): 5'-CTGCTGCTGCTGCCGCCCCGGCTCTTAGCCCGACCCTCGCTCCTGCTCCGCCGGTCCCTC[AG>A]CGCGGCCTCCTGCCCCCCGATCTCCTTGCCCGCCGCCGCCTCCCGGAGCAGCATGGACGG-3'

ClinVar aggregate classification (germline): Uncertain significance (1 of 4 stars; one submission).

Conditions:
Charcot-Marie-Tooth disease type 2. Also called: Charcot-Marie-Tooth type 2. Identifiers: Orphanet 64746, MedGen C0270914, MONDO:0018993.

Allele frequency attached by ClinVar (database versions not stated): TOPMed 0.00001.

Submission:

Labcorp Genetics (formerly Invitae), Labcorp
Classification: Uncertain significance for Charcot-Marie-Tooth disease type 2. Last evaluated: 2022-03-05. Review status: criteria provided, single submitter. Criteria: Invitae Variant Classification Sherloc (09022015). Collection method: clinical testing. Allele origin: germline.
Comment: This sequence change creates a premature translational stop signal (p.Ser37Thrfs*31) in the GARS gene. It is expected to result in an absent or disrupted protein product. However, the current clinical and genetic evidence is not sufficient to establish whether loss-of-function variants in GARS cause disease. This variant is not present in population databases (gnomAD no frequency). This variant has not been reported in the literature in individuals affected with GARS-related conditions. In summary, the available evidence is currently insufficient to determine the role of this variant in disease. Therefore, it has been classified as a Variant of Uncertain Significance.